The following is an entry in ClinVar:

NM_020458.4(TTC7A):c.2544A>G (p.Val848=)

Gene: TTC7A (tetratricopeptide repeat domain 7A; plus strand). Cytogenetic location: 2p21.
Variant type: single nucleotide variant.
Coding change: c.2544A>G on transcript NM_020458.4 (MANE Select); coding-DNA position 2544, A replaced by G.
Protein change: p.Val848=; no amino-acid change (valine 848 retained).
Molecular consequence: synonymous variant.
Genome position (GRCh38, 1-based): chr2:47,073,890, A>G. VCF-style: chr2-47073890-A-G. GRCh37 (hg19) VCF-style: chr2-47301029-A-G.
Other names: p.Val848=; c.2616A>G, p.Val872= (NM_001288951.2); c.2442A>G, p.Val814= (NM_001288953.2); c.1482A>G, p.Val494= (NM_001288955.2).
Identifiers: ClinVar variation 1167919 (VCV001167919.18), dbSNP rs3739099, ClinGen allele CA1648190.

ClinVar aggregate classification (germline): Benign. Review status: criteria provided, multiple submitters, no conflicts (2 of 4 stars). 7 submissions from 7 submitters: Benign (7). Last evaluated 2026-02-04.

Conditions:
Gastrointestinal defects and immunodeficiency syndrome 1 (GIDID1). Also called: Combined immunodeficiency-enteropathy spectrum. Identifiers: Orphanet 436252, MedGen C5968858, MONDO:0800030, OMIM 243150.
Multiple gastrointestinal atresias. Also called: FAMILIAL INTESTINAL POLYATRESIA SYNDROME; Multiple intestinal atresia. Identifiers: Orphanet 2300, MedGen C0220744, MONDO:0009465.

Allele frequency attached by ClinVar (database versions not stated): gnomAD exomes 0.11489 and 0.19183; ESP Exome Variant Server 0.14319; gnomAD 0.17069 and 0.17974; TOPMed 0.18771; ExAC 0.19392; 1000 Genomes Project 30x 0.32167; 1000 Genomes Project 0.33247.
gnomAD v4.1: 196,662 of 1,612,726 alleles (12%); highest among the groups gnomAD compares: East Asian, 66%; 23,292 homozygotes.

Submissions (7):

Labcorp Genetics (formerly Invitae), Labcorp
Classification: Benign for Multiple gastrointestinal atresias. Last evaluated: 2026-02-04. Review status: criteria provided, single submitter. Criteria: Invitae Variant Classification Sherloc (09022015). Collection method: clinical testing. Allele origin: germline.

Blueprint Genetics
Classification: Benign. Last evaluated: 2024-11-26. Review status: criteria provided, single submitter. Criteria: ACMG Guidelines, 2015. Collection method: clinical testing. Allele origin: germline.

Unidad de Genómica Garrahan, Hospital de Pediatría Garrahan
Classification: Benign. Last evaluated: 2024-01-24. Review status: criteria provided, single submitter. Criteria: ACMG Guidelines, 2015. Collection method: clinical testing. Allele origin: germline. Affected: no. Observed: 38 variant alleles.
Comment: This variant is classified as Benign based on local population frequency. This variant was detected in 40% of patients studied by a panel of primary immunodeficiencies. Number of patients: 38. Only high quality variants are reported.

Genome-Nilou Lab
Classification: Benign for Gastrointestinal defects and immunodeficiency syndrome 1. Last evaluated: 2021-09-10. Review status: criteria provided, single submitter. Criteria: ACMG Guidelines, 2015. Collection method: clinical testing. Allele origin: germline. Affected: no.

GeneDx
Classification: Benign. Last evaluated: 2018-07-09. Review status: criteria provided, single submitter. Criteria: GeneDx Variant Classification Process June 2021. Collection method: clinical testing. Allele origin: germline. Affected: yes.

Mayo Clinic Laboratories, Mayo Clinic
Classification: Benign. Last evaluated: 2018-03-21. Review status: criteria provided, single submitter. Criteria: ACMG Guidelines, 2015. Collection method: clinical testing. Allele origin: germline. Observed: 113 variant alleles.

Breakthrough Genomics
Classification: Benign. Review status: criteria provided, single submitter. Criteria: ACMG Guidelines, 2015. Collection method: not provided. Allele origin: germline. Inheritance: Autosomal recessive inheritance. Affected: yes.